The following is an entry in ClinVar:

ClinVar aggregate classification (germline): Uncertain significance (1 of 4 stars; one submission).

Conditions:
Familial thoracic aortic aneurysm and aortic dissection (TAAD). Also called: Thoracic aortic aneurysms and dissections. Identifiers: Orphanet 91387, MedGen C4707243, MONDO:0019625.

Submission:

Ambry Genetics
Classification: Uncertain significance for Familial thoracic aortic aneurysm and aortic dissection. Last evaluated: 2026-02-14. Review status: criteria provided, single submitter. Criteria: Ambry Variant Classification Scheme 2023. Collection method: clinical testing. Allele origin: germline.
Comment: The p.A616P variant (also known as c.1846G>C), located in coding exon 11 of the MYLK gene, results from a G to C substitution at nucleotide position 1846. The alanine at codon 616 is replaced by proline, an amino acid with highly similar properties. This amino acid position is conserved. In addition, this alteration is predicted to be tolerated by in silico analysis. Based on the available evidence, the clinical significance of this variant remains unclear.

NM_053025.4(MYLK):c.1846G>C (p.Ala616Pro)

Gene: MYLK (myosin light chain kinase; minus strand). Cytogenetic location: 3q21.1.
Variant type: single nucleotide variant.
Coding change: c.1846G>C on transcript NM_053025.4 (MANE Select); coding-DNA position 1846, G replaced by C.
Protein change: p.Ala616Pro; replaces alanine 616 with proline.
Molecular consequence: missense variant.
Genome position (GRCh38, 1-based): chr3:123,709,852, C>G on the plus strand (G>C on the coding strand, the complement: MYLK is on the minus strand). VCF-style: chr3-123709852-C-G. GRCh37 (hg19) VCF-style: chr3-123428699-C-G.
Other names: c.1318G>C, p.Ala440Pro (NM_001321309.2); c.1639G>C, p.Ala547Pro (NM_053026.4, NM_053028.4); c.1846G>C, p.Ala616Pro (NM_053027.4); short protein forms A616P, A547P, A440P.
Identifiers: ClinVar variation 4825147 (VCV004825147.1).